The following is an entry in ClinVar:

ClinVar aggregate classification (germline): Benign. Review status: criteria provided, multiple submitters, no conflicts (2 of 4 stars). 4 submissions from 4 submitters: Benign (4). Last evaluated 2026-06-09.

Conditions:
SLC27A5-related disorder. Also called: SLC27A5-related condition.

Allele frequency attached by ClinVar (database versions not stated): gnomAD exomes 0.00082 and 0.00347; gnomAD 0.00112 and 0.00135; TOPMed 0.00165; ExAC 0.00321; 1000 Genomes Project 30x 0.00390; 1000 Genomes Project 0.00479.
gnomAD v4.1: 1,536 of 1,613,890 alleles (0.095%); highest among the groups gnomAD compares: East Asian, 2.8%; 26 homozygotes.

Submissions (4):

PreventionGenetics, part of Exact Sciences
Classification: Benign for SLC27A5-related condition. Last evaluated: 2026-06-09. Review status: criteria provided, single submitter. Criteria: ACMG Guidelines, 2015. Collection method: clinical testing. Allele origin: germline.
Comment: This variant is classified as benign based on ACMG/AMP sequence variant interpretation guidelines (Richards et al. 2015 PMID: 25741868, with internal and published modifications).

Labcorp Genetics (formerly Invitae), Labcorp
Classification: Benign. Last evaluated: 2026-01-22. Review status: criteria provided, single submitter. Criteria: Invitae Variant Classification Sherloc (09022015). Collection method: clinical testing. Allele origin: germline.

Mayo Clinic Laboratories, Mayo Clinic
Classification: Benign. Last evaluated: 2023-03-01. Review status: criteria provided, single submitter. Criteria: ACMG Guidelines, 2015. Collection method: clinical testing. Allele origin: germline. Observed: 2 variant alleles.
Comment: BA1, BP4, BP7

Eurofins Ntd Llc (ga)
Classification: Benign. Last evaluated: 2015-04-24. Review status: criteria provided, single submitter. Criteria: EGL Classification Definitions 2015. Collection method: clinical testing. Allele origin: germline. Observed: 1 variant allele, 1 heterozygote.

NM_012254.3(SLC27A5):c.1686G>A (p.Val562=)

Gene: SLC27A5 (solute carrier family 27 member 5; minus strand). Cytogenetic location: 19q13.43.
Variant type: single nucleotide variant.
Coding change: c.1686G>A on transcript NM_012254.3 (MANE Select); coding-DNA position 1686, G replaced by A.
Protein change: p.Val562=; no amino-acid change (valine 562 retained).
Molecular consequence: synonymous variant.
Genome position (GRCh38, 1-based): chr19:58,499,202, C>T on the plus strand (G>A on the coding strand, the complement: SLC27A5 is on the minus strand). VCF-style: chr19-58499202-C-T. GRCh37 (hg19) VCF-style: chr19-59010569-C-T.
Other names: p.Val562=; c.1434G>A, p.Val478= (NM_001321196.2); c.1686G>A (NM_012254.2).
Identifiers: ClinVar variation 198851 (VCV000198851.11), dbSNP rs201217575, ClinGen allele CA203644.
Genomic context (GRCh38, chr19:58,499,202, plus strand): 5'-CACGTTAACCTGTTGCAAGAAGTCCACCTGCGACAACACGCCCTCCACCTCGTGCGTGGA[C>T]ACGTTCTCGCCCTTCCATCTGCAAGGAGGGAGCCGGCGCTTGTGACCACGCCCCCGGGAA-3'
Protein context (NP_036386.1, residues 552-572): GDTFRWKGEN[Val562=]STHEVEGVLS